The following is an entry in ClinVar:

NM_000038.6(APC):c.6447T>C (p.His2149=)

Gene: APC (APC regulator of Wnt signaling pathway; plus strand). Cytogenetic location: 5q22.2.
Variant type: single nucleotide variant.
Coding change: c.6447T>C on transcript NM_000038.6 (MANE Select); coding-DNA position 6447, T replaced by C.
Protein change: p.His2149=; no amino-acid change (histidine 2149 retained).
Molecular consequence: synonymous variant.
Genome position (GRCh38, 1-based): chr5:112,842,041, T>C. VCF-style: chr5-112842041-T-C. GRCh37 (hg19) VCF-style: chr5-112177738-T-C.
Other names: c.6447T>C, p.His2149= (NM_001127510.3, NM_001354895.2); c.6393T>C, p.His2131= (NM_001127511.3); c.6501T>C, p.His2167= (NM_001354896.2); c.6477T>C, p.His2159= (NM_001354897.2); c.6372T>C, p.His2124= (NM_001354898.2); c.6363T>C, p.His2121= (NM_001354899.2); c.6324T>C, p.His2108= (NM_001354900.2); c.6270T>C, p.His2090= (NM_001354901.2); and 5 more.
Identifiers: ClinVar variation 826409 (VCV000826409.52), dbSNP rs1580670835, ClinGen allele CA446210515.

ClinVar aggregate classification (germline): Benign/Likely benign. Review status: criteria provided, multiple submitters, no conflicts (2 of 4 stars). 5 submissions from 5 submitters: Benign (1); Likely benign (4). Last evaluated 2025-05-10.

Conditions:
Hereditary cancer-predisposing syndrome. Also called: Hereditary Cancer Syndrome; Neoplastic Syndromes, Hereditary; Tumor predisposition; Hereditary neoplastic syndrome. Identifiers: Orphanet 140162, MedGen C0027672, MeSH D009386, MONDO:0015356.
Familial adenomatous polyposis 1 (FAP1). Also called: POLYPOSIS, ADENOMATOUS INTESTINAL; FAMILIAL ADENOMATOUS POLYPOSIS 1, ATTENUATED. Identifiers: MedGen C2713442, MONDO:0021056, OMIM 175100. Disease mechanism: loss of function.

Submissions (5):

Labcorp Genetics (formerly Invitae), Labcorp
Classification: Likely benign for Familial adenomatous polyposis 1. Last evaluated: 2025-05-10. Review status: criteria provided, single submitter. Criteria: Invitae Variant Classification Sherloc (09022015). Collection method: clinical testing. Allele origin: germline.

Myriad Genetics, Inc.
Classification: Benign for Familial adenomatous polyposis 1. Last evaluated: 2024-04-04. Review status: criteria provided, single submitter. Criteria: Myriad Autosomal Dominant, Autosomal Recessive and X-Linked Classification Criteria (2023). Collection method: clinical testing. Allele origin: unknown.
Comment: This variant is considered benign. This variant is a silent/synonymous amino acid change and it is not expected to impact splicing.

CeGaT Center for Human Genetics Tuebingen
Classification: Likely benign. Last evaluated: 2020-10-01. Review status: criteria provided, single submitter. Criteria: CeGaT Center For Human Genetics Tuebingen Variant Classification Criteria Version 2. Collection method: clinical testing. Allele origin: germline. Affected: yes. Observed: 1 variant allele.

Color Diagnostics, LLC DBA Color Health
Classification: Likely benign for Hereditary cancer-predisposing syndrome. Last evaluated: 2020-03-01. Review status: criteria provided, single submitter. Criteria: ACMG Guidelines, 2015. Collection method: clinical testing. Allele origin: germline.

Ambry Genetics
Classification: Likely benign for Hereditary cancer-predisposing syndrome. Last evaluated: 2015-11-21. Review status: criteria provided, single submitter. Criteria: Ambry Variant Classification Scheme 2023. Collection method: clinical testing. Allele origin: germline.